The following is an entry in ClinVar:

ClinVar aggregate classification (germline): Uncertain significance (1 of 4 stars; one submission).

Submission:

Labcorp Genetics (formerly Invitae), Labcorp
Classification: Uncertain significance. Last evaluated: 2024-08-06. Review status: criteria provided, single submitter. Criteria: Invitae Variant Classification Sherloc (09022015). Collection method: clinical testing. Allele origin: germline.
Comment: This sequence change replaces glutamic acid, which is acidic and polar, with lysine, which is basic and polar, at codon 4 of the MYSM1 protein (p.Glu4Lys). This variant is present in population databases (no rsID available, gnomAD 0.003%). This variant has not been reported in the literature in individuals affected with MYSM1-related conditions. Advanced modeling of protein sequence and biophysical properties (such as structural, functional, and spatial information, amino acid conservation, physicochemical variation, residue mobility, and thermodynamic stability) performed at Invitae indicates that this missense variant is expected to disrupt MYSM1 protein function with a positive predictive value of 80%. In summary, the available evidence is currently insufficient to determine the role of this variant in disease. Therefore, it has been classified as a Variant of Uncertain Significance.

NM_001085487.3(MYSM1):c.10G>A (p.Glu4Lys)

Genes: MYSM1 (Myb like, SWIRM and MPN domains 1; minus strand), LOC129930616 (ATAC-STARR-seq lymphoblastoid active region 1087; plus strand). Cytogenetic location: 1p32.1.
Variant type: single nucleotide variant.
Coding change: c.10G>A on transcript NM_001085487.3 (MANE Select); coding-DNA position 10, G replaced by A.
Protein change: p.Glu4Lys; replaces glutamic acid 4 with lysine.
Molecular consequence: missense variant.
Genome position (GRCh38, 1-based): chr1:58,700,043, C>T on the plus strand (G>A on the coding strand, the complement: MYSM1 is on the minus strand). VCF-style: chr1-58700043-C-T. GRCh37 (hg19) VCF-style: chr1-59165715-C-T.
Other names: short protein forms E4K.
Identifiers: ClinVar variation 3658659 (VCV003658659.2).